The following is an entry in ClinVar:

ClinVar aggregate classification (germline): Uncertain significance (1 of 4 stars; one submission).

Conditions:
EGFR-related lung cancer (EGFR). Identifiers: MedGen CN130014.

Submission:

Labcorp Genetics (formerly Invitae), Labcorp
Classification: Uncertain significance for EGFR-related lung cancer. Last evaluated: 2024-06-25. Review status: criteria provided, single submitter. Criteria: Invitae Variant Classification Sherloc (09022015). Collection method: clinical testing. Allele origin: germline.
Comment: This sequence change replaces valine, which is neutral and non-polar, with isoleucine, which is neutral and non-polar, at codon 505 of the EGFR protein (p.Val505Ile). This variant is not present in population databases (gnomAD no frequency). This variant has not been reported in the literature in individuals affected with EGFR-related conditions. Advanced modeling of protein sequence and biophysical properties (such as structural, functional, and spatial information, amino acid conservation, physicochemical variation, residue mobility, and thermodynamic stability) performed at Invitae indicates that this missense variant is not expected to disrupt EGFR protein function with a negative predictive value of 80%. In summary, the available evidence is currently insufficient to determine the role of this variant in disease. Therefore, it has been classified as a Variant of Uncertain Significance.

NM_005228.5(EGFR):c.1513G>A (p.Val505Ile)

Gene: EGFR (epidermal growth factor receptor; plus strand). Cytogenetic location: 7p11.2.
Variant type: single nucleotide variant.
Coding change: c.1513G>A on transcript NM_005228.5 (MANE Select); coding-DNA position 1513, G replaced by A.
Protein change: p.Val505Ile; replaces valine 505 with isoleucine.
Molecular consequence: missense variant.
Genome position (GRCh38, 1-based): chr7:55,161,513, G>A. VCF-style: chr7-55161513-G-A. GRCh37 (hg19) VCF-style: chr7-55229206-G-A.
Other names: c.1378G>A, p.Val460Ile (NM_001346897.2, NM_001346899.2); c.1513G>A, p.Val505Ile (NM_001346898.2, NM_201282.2, NM_201284.2); c.1354G>A, p.Val452Ile (NM_001346900.2); c.712G>A, p.Val238Ile (NM_001346941.2); short protein forms V452I, V460I, V238I, V505I.
Identifiers: ClinVar variation 3694225 (VCV003694225.2).